The following is an entry in ClinVar:

ClinVar aggregate classification (germline): Likely pathogenic (1 of 4 stars; one submission).

Conditions:
Wiskott-Aldrich syndrome (WAS). Also called: ALDRICH SYNDROME; IMMUNODEFICIENCY 2; WISKOTT-ALDRICH SYNDROME 1; Wiskott-aldrich syndrome, somatic. Identifiers: Orphanet 906, MedGen C0043194, MONDO:0010518, OMIM 301000.

Submission:

Laboratorio de Genetica e Diagnostico Molecular, Hospital Israelita Albert Einstein
Classification: Likely pathogenic for Wiskott-Aldrich syndrome. Last evaluated: 2022-08-17. Review status: criteria provided, single submitter. Criteria: ACMG Guidelines, 2015. Collection method: clinical testing. Allele origin: germline. Affected: yes. Observed: 1 variant allele.
Comment: ACMG classification criteria: PVS1 very strong, PM2 moderated

NM_000377.3(WAS):c.1273_1318del (p.Leu425fs)

Gene: WAS (WASP actin nucleation promoting factor; plus strand). Cytogenetic location: Xp11.23.
Variant type: Deletion.
Coding change: c.1273_1318del on transcript NM_000377.3 (MANE Select); coding-DNA positions 1273 to 1318, 46 bases deleted.
Protein change: p.Leu425fs; shifts the reading frame from leucine 425.
Molecular consequence: frameshift variant.
Genome position (GRCh38, 1-based): chrX:48,689,001-48,689,046, 46 bases deleted; deleting any 46 consecutive bases within chrX:48,688,998-48,689,046 gives the same sequence; the c. name uses the placement nearest the transcript's 3' end. GRCh37 (hg19): chrX:48,547,390-48,547,435.
Other names: short protein forms L425fs.
Identifiers: ClinVar variation 2431774 (VCV002431774.1), dbSNP rs2519288131, ClinGen allele CA2580101069.
Genomic context (GRCh38, chrX:48,688,997, plus strand): 5'-GCCCAGCTCCGGGAATGGACCAGCCCCTCCCCCACTCCCTCCTGCTCTGGTGCCTGCCGG[GGGCCTGGCCCCTGGTGGGGGTCGGGGAGCGCTTTTGGATCAAATCC>G]GGCAGGGAATTCAGCTGAACAAGGTGAGGACAGGCAGGATGGAGGATTGGGGGTCTAGGA-3'